The following is an entry in ClinVar:

NM_001114753.3(ENG):c.221G>C (p.Gly74Ala)

Gene: ENG (endoglin; minus strand). Cytogenetic location: 9q34.11.
Variant type: single nucleotide variant.
Coding change: c.221G>C on transcript NM_001114753.3 (MANE Select); coding-DNA position 221, G replaced by C.
Protein change: p.Gly74Ala; replaces glycine 74 with alanine.
Molecular consequence: missense variant. On other transcripts: 5 prime UTR variant (1).
Genome position (GRCh38, 1-based): chr9:127,829,826, C>G on the plus strand (G>C on the coding strand, the complement: ENG is on the minus strand). VCF-style: chr9-127829826-C-G. GRCh37 (hg19) VCF-style: chr9-130592105-C-G.
Other names: c.221G>C, p.Gly74Ala (NM_000118.4, NM_001406715.1); c.-326G>C (NM_001278138.2); short protein forms G74A.
Identifiers: ClinVar variation 2921006 (VCV002921006.1), dbSNP rs2539083427, ClinGen allele CA374986448.
Genomic context (GRCh38, chr9:127,829,826, plus strand): 5'-TCTCGGGGCCAGGTGCCATTTTGCTTGGATGCCTGGAGAGTCAGCTCCAGCTGTGACGGG[C>G]CCTGGGGGACACAGAGGAGAGACACACACAGTCCAGTCAGATTTGTATAGGTTGTGCCAC-3'
Protein context (NP_001108225.1, residues 64-84): VHVLFLEFPT[Gly74Ala]PSQLELTLQA

ClinVar aggregate classification (germline): Uncertain significance (1 of 4 stars; one submission).

Conditions:
Telangiectasia, hereditary hemorrhagic, type 1 (HHT1). Also called: Osler Weber Rendu syndrome type 1; ENG-Related Hereditary Hemorrhagic Telangiectasia. Identifiers: Orphanet 774, MedGen C4551861, MONDO:0008535, OMIM 187300. Disease mechanism: loss of function.

Submission:

ARUP Laboratories, Molecular Genetics and Genomics, ARUP Laboratories
Classification: Uncertain significance for Telangiectasia, hereditary hemorrhagic, type 1. Last evaluated: 2023-08-07. Review status: criteria provided, single submitter. Criteria: ARUP Molecular Germline Variant Investigation Process 2024. Collection method: clinical testing. Allele origin: germline.
Comment: The ENG c.221G>C; p.Gly74Ala variant, to our knowledge, is not reported in the medical literature or gene specific databases. This variant is also absent from the Genome Aggregation Database, indicating it is not a common polymorphism. Computational analyses predict that this variant is neutral (REVEL: 0.023). However, given the lack of clinical and functional data, the significance of this variant is uncertain at this time.